The following is an entry in ClinVar:

NM_177438.3(DICER1):c.4553_4555del (p.Val1518del)

Gene: DICER1 (dicer 1, ribonuclease III; minus strand). Cytogenetic location: 14q32.13.
Variant type: Deletion.
Coding change: c.4553_4555del on transcript NM_177438.3 (MANE Select); coding-DNA positions 4553 to 4555, 3 bases deleted (TTG; older notation c.4553_4555delTTG).
Protein change: p.Val1518del; deletes valine 1518.
Molecular consequence: inframe deletion.
Genome position (GRCh38, 1-based): chr14:95,096,365-95,096,367, CAA deleted on the plus strand (TTG on the coding strand, the reverse complement: DICER1 is on the minus strand); deleting any 3 consecutive bases within chr14:95,096,365-95,096,369 gives the same sequence; the c. name uses the placement nearest the transcript's 3' end. VCF-style (leftmost placement, unchanged base first): chr14-95096364-TCAA-T. GRCh37 (hg19) VCF-style: chr14-95562701-TCAA-T.
Other names: c.4553_4555del, p.Val1518del (NM_001195573.1, NM_001271282.3, NM_001291628.2 and 1 more transcripts); c.4553_4555delTTG (NM_177438.2); short protein forms V1518del.
Identifiers: ClinVar variation 664249 (VCV000664249.11), dbSNP rs1377062070, ClinGen allele CA616115527.

ClinVar aggregate classification (germline): Uncertain significance. Review status: criteria provided, multiple submitters, no conflicts (2 of 4 stars). 2 submissions from 2 submitters: Uncertain significance (2). Last evaluated 2025-06-04.

Conditions:
Hereditary cancer-predisposing syndrome. Also called: Neoplastic Syndromes, Hereditary; Hereditary neoplastic syndrome; Tumor predisposition; Hereditary Cancer Syndrome. Identifiers: Orphanet 140162, MedGen C0027672, MeSH D009386, MONDO:0015356.
DICER1-related tumor predisposition. Also called: DICER1 syndrome; DICER1-related pleuropulmonary blastoma cancer predisposition syndrome. Identifiers: Orphanet 284343, MedGen C3839822, MONDO:0100216.

Submissions (2):

Labcorp Genetics (formerly Invitae), Labcorp
Classification: Uncertain significance for DICER1-related tumor predisposition. Last evaluated: 2025-06-04. Review status: criteria provided, single submitter. Criteria: Invitae Variant Classification Sherloc (09022015). Collection method: clinical testing. Allele origin: germline.
Comment: This variant, c.4553_4555del, results in the deletion of 1 amino acid(s) of the DICER1 protein (p.Val1518del), but otherwise preserves the integrity of the reading frame. This variant is present in population databases (no rsID available, gnomAD 0.003%). This variant has not been reported in the literature in individuals affected with DICER1-related conditions. ClinVar contains an entry for this variant (Variation ID: 664249). Experimental studies and prediction algorithms are not available or were not evaluated, and the functional significance of this variant is currently unknown. In summary, the available evidence is currently insufficient to determine the role of this variant in disease. Therefore, it has been classified as a Variant of Uncertain Significance.

Ambry Genetics
Classification: Uncertain significance for Hereditary cancer-predisposing syndrome. Last evaluated: 2023-04-06. Review status: criteria provided, single submitter. Criteria: Ambry Variant Classification Scheme 2023. Collection method: clinical testing. Allele origin: germline.
Comment: The c.4553_4555delTTG variant (also known as p.V1518del) is located in coding exon 22 of the DICER1 gene. This variant results from an in-frame TTG deletion at nucleotide positions 4553 to 4555. This results in the in-frame deletion of a valine at codon 1518. This amino acid position is well conserved in available vertebrate species. In addition, this alteration is predicted to be neutral by in silico analysis (Choi Y et al. PLoS ONE. 2012; 7(10):e46688). Since supporting evidence is limited at this time, the clinical significance of this alteration remains unclear.